The following is an entry in ClinVar:

NM_177438.3(DICER1):c.1824T>A (p.Asp608Glu)

Gene: DICER1 (dicer 1, ribonuclease III; minus strand). Cytogenetic location: 14q32.13.
Variant type: single nucleotide variant.
Coding change: c.1824T>A on transcript NM_177438.3 (MANE Select); coding-DNA position 1824, T replaced by A.
Protein change: p.Asp608Glu; replaces aspartic acid 608 with glutamic acid.
Molecular consequence: missense variant. On other transcripts: non-coding transcript variant (6).
Genome position (GRCh38, 1-based): chr14:95,115,750, A>T on the plus strand (T>A on the coding strand, the complement: DICER1 is on the minus strand). VCF-style: chr14-95115750-A-T. GRCh37 (hg19) VCF-style: chr14-95582087-A-T.
Other names: c.1824T>A, p.Asp608Glu (NM_001195573.1, NM_001271282.3, NM_001291628.2 and 12 more transcripts); c.1542T>A, p.Asp514Glu (NM_001395686.1); c.1419T>A, p.Asp473Glu (NM_001395687.1, NM_001395688.1, NM_001395689.1 and 3 more transcripts); c.1257T>A, p.Asp419Glu (NM_001395691.1); c.141T>A, p.Asp47Glu (NM_001395697.1); short protein forms D608E, D473E, D419E, D47E, D514E.
Identifiers: ClinVar variation 3662827 (VCV003662827.2).

ClinVar aggregate classification (germline): Uncertain significance (1 of 4 stars; one submission).

Conditions:
DICER1-related tumor predisposition. Also called: DICER1-related pleuropulmonary blastoma cancer predisposition syndrome; DICER1 syndrome. Identifiers: Orphanet 284343, MedGen C3839822, MONDO:0100216.

Submission:

Labcorp Genetics (formerly Invitae), Labcorp
Classification: Uncertain significance for DICER1-related tumor predisposition. Last evaluated: 2024-08-19. Review status: criteria provided, single submitter. Criteria: Invitae Variant Classification Sherloc (09022015). Collection method: clinical testing. Allele origin: germline.
Comment: This sequence change replaces aspartic acid, which is acidic and polar, with glutamic acid, which is acidic and polar, at codon 608 of the DICER1 protein (p.Asp608Glu). This variant is not present in population databases (gnomAD no frequency). This variant has not been reported in the literature in individuals affected with DICER1-related conditions. Invitae Evidence Modeling of protein sequence and biophysical properties (such as structural, functional, and spatial information, amino acid conservation, physicochemical variation, residue mobility, and thermodynamic stability) indicates that this missense variant is not expected to disrupt DICER1 protein function with a negative predictive value of 80%. In summary, the available evidence is currently insufficient to determine the role of this variant in disease. Therefore, it has been classified as a Variant of Uncertain Significance.